The following is an entry in ClinVar:

NM_138961.3(ESAM):c.543C>T (p.Pro181=)

Gene: ESAM (endothelial cell adhesion molecule; minus strand). Cytogenetic location: 11q24.2.
Variant type: single nucleotide variant.
Coding change: c.543C>T on transcript NM_138961.3 (MANE Select); coding-DNA position 543, C replaced by T.
Protein change: p.Pro181=; no amino-acid change (proline 181 retained).
Molecular consequence: synonymous variant.
Genome position (GRCh38, 1-based): chr11:124,756,271, G>A on the plus strand (C>T on the coding strand, the complement: ESAM is on the minus strand). VCF-style: chr11-124756271-G-A. GRCh37 (hg19) VCF-style: chr11-124626167-G-A.
Identifiers: ClinVar variation 2642498 (VCV002642498.25), dbSNP rs139265422, ClinGen allele CA6342597.

ClinVar aggregate classification (germline): Likely benign. Review status: criteria provided, multiple submitters, no conflicts (2 of 4 stars). 2 submissions from 2 submitters: Likely benign (2). Last evaluated 2026-09-01.

Allele frequency attached by ClinVar (database versions not stated): 1000 Genomes Project 30x 0.00078; 1000 Genomes Project 0.00100; ESP Exome Variant Server 0.00477.
gnomAD v4.1: 8,378 of 1,614,154 alleles (0.52%); highest among the groups gnomAD compares: Non-Finnish European, 0.65%; 35 homozygotes.

Submissions (2):

CeGaT Center for Human Genetics Tuebingen
Classification: Likely benign. Last evaluated: 2026-09-01. Review status: criteria provided, single submitter. Criteria: CeGaT Center For Human Genetics Tuebingen Variant Classification Criteria Version 2. Collection method: clinical testing. Allele origin: germline. Affected: yes. Observed: 3 variant alleles.
Comment: ESAM: BP4, BP7, BS2

Blueprint Genetics
Classification: Likely benign. Last evaluated: 2024-11-19. Review status: criteria provided, single submitter. Criteria: ACMG Guidelines, 2015. Collection method: clinical testing. Allele origin: germline.